The following is an entry in ClinVar:

NM_007194.4(CHEK2):c.469_592+808del

Gene: CHEK2 (checkpoint kinase 2; minus strand). Cytogenetic location: 22q12.1.
Variant type: Deletion.
Coding change: c.469_592+808del on transcript NM_007194.4 (MANE Select); coding-DNA position 469 through 808 bases into the intron after coding-DNA position 592, 932 bases deleted.
Molecular consequence: splice donor variant. On other transcripts: splice acceptor variant (1).
Genome position (GRCh38, 1-based): chr22:28,724,169-28,725,100, 932 bases deleted. GRCh37 (hg19): chr22:29,120,157-29,121,088.
Other names: c.-195_-72+808del (NM_001437942.1); c.444+143_482+717del (NM_001349956.3); c.469_592+808del (NM_145862.3); c.-309_-186+808del (NM_001257387.3); c.562_685+808del (NM_001438295.1, NM_001438293.1); c.598_721+808del (NM_001438294.1, NM_001005735.3).
Identifiers: ClinVar variation 859524 (VCV000859524.2), dbSNP rs2053903140, ClinGen allele CA916083802.

ClinVar aggregate classification (germline): Likely pathogenic (1 of 4 stars; one submission).

Conditions:
Familial cancer of breast. Also called: hereditary breast carcinoma; Hereditary breast cancer; BREAST CANCER, FAMILIAL. Identifiers: Orphanet 227535, MedGen C0346153, MONDO:0016419, OMIM 114480. Disease mechanism: loss of function.

Submission:

Labcorp Genetics (formerly Invitae), Labcorp
Classification: Likely pathogenic for Hereditary Breast Carcinoma. Last evaluated: 2019-04-08. Review status: criteria provided, single submitter. Criteria: Invitae Variant Classification Sherloc (09022015). Collection method: clinical testing. Allele origin: germline.
Comment: This variant is a deletion of the genomic region encompassing part of exon 4 (c.469_592+809del) of the CHEK2 gene. It is expected to disrupt RNA splicing and likely results in an absent or disrupted protein product. This variant has not been reported in the literature in individuals with CHEK2-related conditions. Loss-of-function variants in CHEK2 are known to be pathogenic (PMID: 21876083, 24713400). In summary, the currently available evidence indicates that the variant is pathogenic, but additional data are needed to prove that conclusively. Therefore, this variant has been classified as Likely Pathogenic.